The following is an entry in ClinVar:

NM_017636.4(TRPM4):c.2714G>A (p.Arg905Gln)

Gene: TRPM4 (transient receptor potential cation channel subfamily M member 4; plus strand). Cytogenetic location: 19q13.33.
Variant type: single nucleotide variant.
Coding change: c.2714G>A on transcript NM_017636.4 (MANE Select); coding-DNA position 2714, G replaced by A.
Protein change: p.Arg905Gln; replaces arginine 905 with glutamine.
Molecular consequence: missense variant.
Genome position (GRCh38, 1-based): chr19:49,200,368, G>A. VCF-style: chr19-49200368-G-A. GRCh37 (hg19) VCF-style: chr19-49703625-G-A.
Other names: c.2279G>A, p.Arg760Gln (NM_001195227.2); c.2369G>A, p.Arg790Gln (NM_001321281.2); c.1106G>A, p.Arg369Gln (NM_001321282.2); c.2192G>A, p.Arg731Gln (NM_001321283.2); c.1652G>A, p.Arg551Gln (NM_001321285.2); c.2714G>A (NM_017636.3); short protein forms R369Q, R790Q, R905Q, R551Q, R731Q, R760Q.
Identifiers: ClinVar variation 1507447 (VCV001507447.7), dbSNP rs1968868883, ClinGen allele CA406810350.
Genomic context (GRCh38, chr19:49,200,368, plus strand): 5'-CGGGTTTGTACCACCTGGGCCGCACTGTCCTCTGCATCGACTTCATGGTTTTCACGGTGC[G>A]GCTGCTTCACATCTTCACGGTCAACAAACAGCTGGGGCCCAAGATCGTCATCGTGAGCAA-3'
Protein context (NP_060106.2, residues 895-915): LCIDFMVFTV[Arg905Gln]LLHIFTVNKQ

ClinVar aggregate classification (germline): Uncertain significance. Review status: criteria provided, multiple submitters, no conflicts (2 of 4 stars). 2 submissions from 2 submitters: Uncertain significance (2). Last evaluated 2023-07-05.

Conditions:
Progressive familial heart block type IB (PFHB1B). Identifiers: Orphanet 871, MedGen C1970298, MONDO:0011474, OMIM 604559.
Cardiovascular phenotype. Identifiers: MedGen CN230736.

Allele frequency attached by ClinVar (database versions not stated): gnomAD exomes below 0.00001; gnomAD 0.00001.

Submissions (2):

Ambry Genetics
Classification: Uncertain significance for Cardiovascular phenotype. Last evaluated: 2023-07-05. Review status: criteria provided, single submitter. Criteria: Ambry Variant Classification Scheme 2023. Collection method: clinical testing. Allele origin: germline.
Comment: The p.R905Q variant (also known as c.2714G>A), located in coding exon 18 of the TRPM4 gene, results from a G to A substitution at nucleotide position 2714. The arginine at codon 905 is replaced by glutamine, an amino acid with highly similar properties. This amino acid position is conserved. In addition, this alteration is predicted to be deleterious by in silico analysis. Since supporting evidence is limited at this time, the clinical significance of this alteration remains unclear.

Labcorp Genetics (formerly Invitae), Labcorp
Classification: Uncertain significance for Progressive familial heart block type IB. Last evaluated: 2022-06-27. Review status: criteria provided, single submitter. Criteria: Invitae Variant Classification Sherloc (09022015). Collection method: clinical testing. Allele origin: germline.
Comment: In summary, the available evidence is currently insufficient to determine the role of this variant in disease. Therefore, it has been classified as a Variant of Uncertain Significance. Algorithms developed to predict the effect of sequence changes on RNA splicing suggest that this variant may create or strengthen a splice site. Algorithms developed to predict the effect of missense changes on protein structure and function are either unavailable or do not agree on the potential impact of this missense change (SIFT: "Tolerated"; PolyPhen-2: "Probably Damaging"; Align-GVGD: "Class C0"). This variant has not been reported in the literature in individuals affected with TRPM4-related conditions. This variant is not present in population databases (gnomAD no frequency). This sequence change replaces arginine, which is basic and polar, with glutamine, which is neutral and polar, at codon 905 of the TRPM4 protein (p.Arg905Gln).